The following is an entry in ClinVar:

ClinVar aggregate classification (germline): Uncertain significance (1 of 4 stars; one submission).

Conditions:
Compton-North congenital myopathy (CMYO12). Identifiers: Orphanet 210163, MedGen C2675527, MONDO:0012929, OMIM 612540.

Submission:

Labcorp Genetics (formerly Invitae), Labcorp
Classification: Uncertain significance for Compton-North congenital myopathy. Last evaluated: 2020-10-30. Review status: criteria provided, single submitter. Criteria: Invitae Variant Classification Sherloc (09022015). Collection method: clinical testing. Allele origin: germline.
Comment: This variant is not present in population databases (ExAC no frequency). This sequence change replaces isoleucine with leucine at codon 461 of the CNTN1 protein (p.Ile461Leu). The isoleucine residue is highly conserved and there is a small physicochemical difference between isoleucine and leucine. This variant has not been reported in the literature in individuals with CNTN1-related conditions. Algorithms developed to predict the effect of missense changes on protein structure and function (SIFT, PolyPhen-2, Align-GVGD) all suggest that this variant is likely to be tolerated, but these predictions have not been confirmed by published functional studies and their clinical significance is uncertain. In summary, the available evidence is currently insufficient to determine the role of this variant in disease. Therefore, it has been classified as a Variant of Uncertain Significance.

NM_001843.4(CNTN1):c.1381A>C (p.Ile461Leu)

Gene: CNTN1 (contactin 1; plus strand). Cytogenetic location: 12q12.
Variant type: single nucleotide variant.
Coding change: c.1381A>C on transcript NM_001843.4 (MANE Select); coding-DNA position 1381, A replaced by C.
Protein change: p.Ile461Leu; replaces isoleucine 461 with leucine.
Molecular consequence: missense variant.
Genome position (GRCh38, 1-based): chr12:40,943,598, A>C. VCF-style: chr12-40943598-A-C. GRCh37 (hg19) VCF-style: chr12-41337400-A-C.
Other names: c.1381A>C, p.Ile461Leu (NM_001256063.2, NM_001256064.2); c.1348A>C, p.Ile450Leu (NM_175038.2); short protein forms I461L, I450L.
Identifiers: ClinVar variation 1408981 (VCV001408981.8), dbSNP rs1337032945, ClinGen allele CA384424497.